The following is an entry in ClinVar:

NM_022166.4(XYLT1):c.1299C>A (p.Asp433Glu)

Gene: XYLT1 (xylosyltransferase 1; minus strand). Cytogenetic location: 16p12.3.
Variant type: single nucleotide variant.
Coding change: c.1299C>A on transcript NM_022166.4 (MANE Select); coding-DNA position 1299, C replaced by A.
Protein change: p.Asp433Glu; replaces aspartic acid 433 with glutamic acid.
Molecular consequence: missense variant.
Genome position (GRCh38, 1-based): chr16:17,158,900, G>T on the plus strand (C>A on the coding strand, the complement: XYLT1 is on the minus strand). VCF-style: chr16-17158900-G-T. GRCh37 (hg19) VCF-style: chr16-17252757-G-T.
Other names: short protein forms D433E.
Identifiers: ClinVar variation 785742 (VCV000785742.11), dbSNP rs147074504, ClinGen allele CA7927954.

ClinVar aggregate classification (germline): Likely benign. Review status: criteria provided, multiple submitters, no conflicts (2 of 4 stars). 3 submissions from 3 submitters: Likely benign (2). 1 of the submissions does not count toward it. Last evaluated 2025-11-11.

Conditions:
Inborn genetic diseases. Identifiers: MedGen C0950123, MeSH D030342.
Desbuquois dysplasia 1 (DBQD1). Also called: DESBUQUOIS DYSPLASIA 1, KIM VARIANT; MICROMELIC DWARFISM WITH VERTEBRAL AND METAPHYSEAL ABNORMALITIES AND ADVANCED CARPOTARSAL OSSIFICATION. Identifiers: Orphanet 1425, MedGen C4012146, MONDO:0009629, OMIM 251450.
XYLT1-related disorder. Also called: XYLT1-related condition.

Allele frequency attached by ClinVar (database versions not stated): gnomAD exomes 0.00015; ExAC 0.00025; TOPMed 0.00053; gnomAD 0.00054 and 0.00057; ESP Exome Variant Server 0.00069; 1000 Genomes Project 30x 0.00078; 1000 Genomes Project 0.00080.
gnomAD v4.1: 148 of 1,614,060 alleles (0.0092%); highest among the groups gnomAD compares: African/African-American, 0.16%; no homozygotes.

Submissions (3):

Labcorp Genetics (formerly Invitae), Labcorp
Classification: Likely benign for Desbuquois dysplasia 1. Last evaluated: 2025-11-11. Review status: criteria provided, single submitter. Criteria: Invitae Variant Classification Sherloc (09022015). Collection method: clinical testing. Allele origin: germline.

Ambry Genetics
Classification: Likely benign for Inborn genetic diseases. Last evaluated: 2024-11-26. Review status: criteria provided, single submitter. Criteria: Ambry Variant Classification Scheme 2023. Collection method: clinical testing. Allele origin: germline.

PreventionGenetics, part of Exact Sciences
Classification: Likely benign for XYLT1-related condition. Last evaluated: 2024-05-02. Review status: no assertion criteria provided. Collection method: clinical testing. Allele origin: germline. Not counted in ClinVar's aggregate classification.
Comment: This variant is classified as likely benign based on ACMG/AMP sequence variant interpretation guidelines (Richards et al. 2015 PMID: 25741868, with internal and published modifications).